The following is an entry in ClinVar:

NM_004187.5(KDM5C):c.807dup (p.Thr270fs)

Gene: KDM5C (lysine demethylase 5C; minus strand). Cytogenetic location: Xp11.22.
Variant type: Duplication.
Coding change: c.807dup on transcript NM_004187.5 (MANE Select); coding-DNA position 807, one base duplicated (C; older notation c.807dupC).
Protein change: p.Thr270fs; shifts the reading frame from threonine 270.
Molecular consequence: frameshift variant. On other transcripts: non-coding transcript variant (3).
Genome position (GRCh38, 1-based): chrX:53,215,951, G duplicated on the plus strand (C on the coding strand, the reverse complement: KDM5C is on the minus strand); the first of 6 consecutive G bases (chrX:53,215,951-53,215,956); duplicating any one gives the same sequence. VCF-style (leftmost placement, unchanged base first): chrX-53215950-T-TG. GRCh37 (hg19) VCF-style: chrX-53245132-T-TG.
Other names: c.606dup, p.Thr203fs (NM_001146702.2); c.804dup, p.Thr269fs (NM_001282622.3, NM_001353979.2, NM_001353982.2); c.807dup, p.Thr270fs (NM_001353978.3, NM_001353981.2, NM_001353984.2); short protein forms T270fs, T203fs, T269fs.
Identifiers: ClinVar variation 1361205 (VCV001361205.6), dbSNP rs1569278313, ClinGen allele CA2573158971.
Genomic context (GRCh38, chrX:53,215,950, plus strand): 5'-TCTTAGGCGATGTTGACTCCACCTTCACATCCCCACCTAACTCCTCCTTCACCACTACTG[T>TG]GGGGGGACACTCAGGCCCCTCCTTATCTGGGAGAGAGAAAAATGGCTGTAAACACAGGTC-3'

ClinVar aggregate classification (germline): Pathogenic (1 of 4 stars; one submission).

Conditions:
Spastic paraplegia. Identifiers: MedGen C0037772, HP:0001258.

Submission:

Labcorp Genetics (formerly Invitae), Labcorp
Classification: Pathogenic for Spastic paraplegia. Last evaluated: 2022-02-05. Review status: criteria provided, single submitter. Criteria: Invitae Variant Classification Sherloc (09022015). Collection method: clinical testing. Allele origin: germline.
Comment: For these reasons, this variant has been classified as Pathogenic. This sequence change creates a premature translational stop signal (p.Thr270Hisfs*20) in the KDM5C gene. It is expected to result in an absent or disrupted protein product. Loss-of-function variants in KDM5C are known to be pathogenic (PMID: 15586325, 18697827). This variant is not present in population databases (gnomAD no frequency). This variant has not been reported in the literature in individuals affected with KDM5C-related conditions.

Literature cited by the submitters: PubMed 15586325; PubMed 18697827.